The following is an entry in ClinVar:

NM_001040436.3(YARS2):c.948-2A>G

Gene: YARS2 (tyrosyl-tRNA synthetase 2; minus strand). Cytogenetic location: 12p11.21.
Variant type: single nucleotide variant.
Coding change: c.948-2A>G on transcript NM_001040436.3 (MANE Select); the canonical splice acceptor site of the intron before coding-DNA position 948, A replaced by G.
Molecular consequence: splice acceptor variant.
Genome position (GRCh38, 1-based): chr12:32,750,876, T>C on the plus strand (A>G on the coding strand, the complement: YARS2 is on the minus strand). VCF-style: chr12-32750876-T-C. GRCh37 (hg19) VCF-style: chr12-32903810-T-C.
Identifiers: ClinVar variation 3390230 (VCV003390230.14).
Genomic context (GRCh38, chr12:32,750,876, plus strand): 5'-GCAGCTGCATGATATGATCAATCTCTGGAAGGGGCAGGAAAGTGAACAGCTTCAGGTACC[T>C]TTGAGACAAAAAATAAAGAGTTACACTTATATAACATACCTAATTTTTATCTCCAGCTCT-3'

ClinVar aggregate classification (germline): Uncertain significance (1 of 4 stars; one submission).

Submission:

CeGaT Center for Human Genetics Tuebingen
Classification: Uncertain significance. Last evaluated: 2024-11-01. Review status: criteria provided, single submitter. Criteria: CeGaT Center For Human Genetics Tuebingen Variant Classification Criteria Version 2. Collection method: clinical testing. Allele origin: germline. Affected: yes. Observed: 1 variant allele.
Comment: YARS2: PM2, PVS1:Moderate